The following is an entry in ClinVar:

NM_000419.5(ITGA2B):c.1922C>T (p.Pro641Leu)

Gene: ITGA2B (integrin subunit alpha 2b; minus strand). Cytogenetic location: 17q21.31.
Variant type: single nucleotide variant.
Coding change: c.1922C>T on transcript NM_000419.5 (MANE Select); coding-DNA position 1922, C replaced by T.
Protein change: p.Pro641Leu; replaces proline 641 with leucine.
Molecular consequence: missense variant.
Genome position (GRCh38, 1-based): chr17:44,378,667, G>A on the plus strand (C>T on the coding strand, the complement: ITGA2B is on the minus strand). VCF-style: chr17-44378667-G-A. GRCh37 (hg19) VCF-style: chr17-42456035-G-A.
Other names: NM_000419.5:c.1922C>T; short protein forms P641L.
Identifiers: ClinVar variation 2506405 (VCV002506405.3), dbSNP rs2510077728, ClinGen allele CA399801154.
Genomic context (GRCh38, chr17:44,378,667, plus strand): 5'-AGGGCCAGGGTCGGGCAGAATGGGAGGCCTCCTCACACGCTGGCAGTGAGCTGAAGCTGG[G>A]GCACACATACGTCATCTTCCCCACAGTCCAGGACGATTCGTGTCTAGAGGGGCACATTGG-3'
Protein context (NP_000410.2, residues 631-651): LDCGEDDVCV[Pro641Leu]QLQLTASVTG

ClinVar aggregate classification (germline): Uncertain significance. Review status: reviewed by expert panel (3 of 4 stars). 2 submissions from 2 submitters: Uncertain significance (1). 1 of the submissions does not count toward it. Last evaluated 2026-01-20.

Conditions:
Glanzmann thrombasthenia. Also called: THROMBASTHENIA OF GLANZMANN AND NAEGELI; PLATELET GLYCOPROTEIN IIb-IIIa DEFICIENCY; Thrombasthenia; Glanzmann's thrombasthenia. Identifiers: Orphanet 849, MedGen C0040015, MONDO:0100326.

Submissions (2):

ClinGen Platelet Disorders Variant Curation Expert Panel, ClinGen
Classification: Uncertain significance for Glanzmann thrombasthenia. Last evaluated: 2026-01-20. Review status: reviewed by expert panel. Criteria: ClinGen Platelet ACMG Specifications v2-1. Collection method: curation. Allele origin: germline. Inheritance: Autosomal recessive inheritance.
Comment: The NM_000419.5(ITGA2B):c.1922C>T (p.Pro641Leu) missense variant was identified in a patient (PMID 25607928) with reported GT. This variant is absent from the gnomAD database v4.1 (PM2_Supporting). In summary, this variant meets the criteria to be classified as a variant of uncertain significance for autosomal recessive Glanzmann Thrombasthenia based on the ACMG/AMP criteria applied, as specified by the ClinGen PD VCEP: PM2_Supporting.

Labcorp Genetics (formerly Invitae), Labcorp
Classification: Uncertain significance for Glanzmann thrombasthenia. Last evaluated: 2025-08-31. Review status: criteria provided, single submitter. Criteria: Invitae Variant Classification Sherloc (09022015). Collection method: clinical testing. Allele origin: germline. Not counted in ClinVar's aggregate classification.
Comment: This sequence change replaces proline, which is neutral and non-polar, with leucine, which is neutral and non-polar, at codon 641 of the ITGA2B protein (p.Pro641Leu). This variant is not present in population databases (gnomAD no frequency). This variant has not been reported in the literature in individuals affected with ITGA2B-related conditions. ClinVar contains an entry for this variant (Variation ID: 2506405). Invitae Evidence Modeling of protein sequence and biophysical properties (such as structural, functional, and spatial information, amino acid conservation, physicochemical variation, residue mobility, and thermodynamic stability) indicates that this missense variant is expected to disrupt ITGA2B protein function with a positive predictive value of 95%. In summary, the available evidence is currently insufficient to determine the role of this variant in disease. Therefore, it has been classified as a Variant of Uncertain Significance.